The following is an entry in ClinVar:

ClinVar aggregate classification (germline): Uncertain significance. Review status: criteria provided, multiple submitters, no conflicts (2 of 4 stars). 3 submissions from 3 submitters: Uncertain significance (2). 1 of the submissions does not count toward it. Last evaluated 2024-10-16.

Conditions:
Stickler syndrome. Identifiers: Orphanet 828, MedGen C0265253, MONDO:0019354.

Allele frequency attached by ClinVar (database versions not stated): gnomAD exomes below 0.00001; gnomAD 0.00001; ExAC 0.00002; 1000 Genomes Project 30x 0.00016; 1000 Genomes Project 0.00020.
gnomAD v4.1: 5 of 1,603,304 alleles (0.00031%); highest among the groups gnomAD compares: South Asian, 0.0022%; no homozygotes.

Submissions (3):

Labcorp Genetics (formerly Invitae), Labcorp
Classification: Uncertain significance. Last evaluated: 2024-10-16. Review status: criteria provided, single submitter. Criteria: Invitae Variant Classification Sherloc (09022015). Collection method: clinical testing. Allele origin: germline.
Comment: This sequence change replaces glycine, which is neutral and non-polar, with serine, which is neutral and polar, at codon 592 of the COL9A2 protein (p.Gly592Ser). The frequency data for this variant in the population databases is considered unreliable, as metrics indicate poor data quality at this position in the gnomAD database. This missense change has been observed in individual(s) with clinical features of COL9A2-related conditions (PMID: 31896775). ClinVar contains an entry for this variant (Variation ID: 635165). Invitae Evidence Modeling of protein sequence and biophysical properties (such as structural, functional, and spatial information, amino acid conservation, physicochemical variation, residue mobility, and thermodynamic stability) indicates that this missense variant is expected to disrupt COL9A2 protein function with a positive predictive value of 95%. In summary, the available evidence is currently insufficient to determine the role of this variant in disease. Therefore, it has been classified as a Variant of Uncertain Significance.

Blueprint Genetics
Classification: Uncertain significance. Last evaluated: 2019-05-06. Review status: criteria provided, single submitter. Criteria: ACMG Guidelines, 2015. Collection method: clinical testing. Allele origin: germline.

Molecular Genetics Laboratory, Institute for Ophthalmic Research
Classification: Likely pathogenic for Stickler syndrome. Last evaluated: 2017-12-13. Review status: no assertion criteria provided. Collection method: research. Allele origin: inherited. Affected: yes. Not counted in ClinVar's aggregate classification.

Literature cited by the submitters: PubMed 31896775 (cited by Labcorp Genetics (formerly Invitae), Labcorp).

NM_001852.4(COL9A2):c.1774G>A (p.Gly592Ser)

Gene: COL9A2 (collagen type IX alpha 2 chain; minus strand). Cytogenetic location: 1p34.2.
Variant type: single nucleotide variant.
Coding change: c.1774G>A on transcript NM_001852.4 (MANE Select); coding-DNA position 1774, G replaced by A.
Protein change: p.Gly592Ser; replaces glycine 592 with serine.
Molecular consequence: missense variant.
Genome position (GRCh38, 1-based): chr1:40,302,639, C>T on the plus strand (G>A on the coding strand, the complement: COL9A2 is on the minus strand). VCF-style: chr1-40302639-C-T. GRCh37 (hg19) VCF-style: chr1-40768311-C-T.
Other names: short protein forms G592S.
Identifiers: ClinVar variation 635165 (VCV000635165.8), dbSNP rs535212284, ClinGen allele CA791341.